The following is an entry in ClinVar:

ClinVar aggregate classification (germline): Uncertain significance. Review status: criteria provided, multiple submitters, no conflicts (2 of 4 stars). 2 submissions from 2 submitters: Uncertain significance (2). Last evaluated 2025-09-08.

Conditions:
Mucopolysaccharidosis type 7 (MPS7). Also called: SLY SYNDROME; MPS VII; BETA-GLUCURONIDASE DEFICIENCY; GUSB DEFICIENCY. Identifiers: Orphanet 584, MedGen C0085132, MONDO:0009662, OMIM 253220.

Allele frequency attached by ClinVar (database versions not stated): gnomAD exomes 0.00001 and 0.00002; gnomAD 0.00002; TOPMed 0.00002; ExAC 0.00003.

Submissions (2):

Women's Health and Genetics/Laboratory Corporation of America, LabCorp
Classification: Uncertain significance. Last evaluated: 2025-09-08. Review status: criteria provided, single submitter. Criteria: LabCorp Variant Classification Summary - May 2015. Collection method: clinical testing. Allele origin: germline.
Comment: Variant summary: GUSB c.1790-2dupA is located in a canonical splice-site and is predicted to affect mRNA splicing resulting in a significantly altered protein due to either exon skipping, shortening, or inclusion of intronic material. Variants that disrupt the consensus splice site are a relatively common cause of aberrant splicing and loss of GUSB function. Several computational tools predict a significant impact on normal splicing: Three predict the variant weakens a 5' donor site. One predict the variant no significant impact on splicing. However, these predictions have yet to be confirmed by functional studies. The variant allele was found at a frequency of 2.1e-05 in 243148 control chromosomes. The available data on variant occurrences in the general population are insufficient to allow any conclusion about variant significance. To our knowledge, no occurrence of c.1790-2dupA in individuals affected with GUSB-related conditions and no experimental evidence demonstrating its impact on protein function have been reported. ClinVar contains an entry for this variant (Variation ID: 1013739). Based on the evidence outlined above, the variant was classified as uncertain significance.

Labcorp Genetics (formerly Invitae), Labcorp
Classification: Uncertain significance for Mucopolysaccharidosis type 7. Last evaluated: 2022-01-20. Review status: criteria provided, single submitter. Criteria: Invitae Variant Classification Sherloc (09022015). Collection method: clinical testing. Allele origin: germline.
Comment: This sequence change falls in intron 11 of the GUSB gene. It does not directly change the encoded amino acid sequence of the GUSB protein. It affects a nucleotide within the consensus splice site. The frequency data for this variant in the population databases is considered unreliable, as metrics indicate poor data quality at this position in the gnomAD database. This variant has not been reported in the literature in individuals affected with GUSB-related conditions. ClinVar contains an entry for this variant (Variation ID: 1013739). Variants that disrupt the consensus splice site are a relatively common cause of aberrant splicing (PMID: 17576681, 9536098). Algorithms developed to predict the effect of sequence changes on RNA splicing suggest that this variant may disrupt the consensus splice site. In summary, the available evidence is currently insufficient to determine the role of this variant in disease. Therefore, it has been classified as a Variant of Uncertain Significance.

Literature cited by the submitters: PubMed 17576681 (cited by Labcorp Genetics (formerly Invitae), Labcorp); PubMed 9536098 (cited by Labcorp Genetics (formerly Invitae), Labcorp).

NM_000181.4(GUSB):c.1790-2dup

Gene: GUSB (glucuronidase beta; minus strand). Cytogenetic location: 7q11.21.
Variant type: Duplication.
Coding change: c.1790-2dup on transcript NM_000181.4 (MANE Select); the canonical splice acceptor site of the intron before coding-DNA position 1790, one base duplicated (A; older notation c.1790-2dupA).
Molecular consequence: splice acceptor variant.
Genome position (GRCh38, 1-based): chr7:65,961,065, T duplicated on the plus strand (A on the coding strand, the reverse complement: GUSB is on the minus strand). VCF-style (leftmost placement, unchanged base first): chr7-65961064-C-CT. GRCh37 (hg19) VCF-style: chr7-65426051-C-CT.
Other names: c.1133-2dup (NM_001293105.2); c.1220-2dup (NM_001293104.2); c.1352-2dup (NM_001284290.2); c.1790-2dupA (NM_000181.4).
Identifiers: ClinVar variation 1013739 (VCV001013739.6), dbSNP rs764071830, ClinGen allele CA4276163.